The following is an entry in ClinVar:

ClinVar aggregate classification (germline): Uncertain significance. Review status: criteria provided, multiple submitters, no conflicts (2 of 4 stars). 4 submissions from 4 submitters: Uncertain significance (4). Last evaluated 2026-08-06.

Conditions:
Mitochondrial complex I deficiency, nuclear type 19. Also called: Mitochondrial complex 1 deficiency, nuclear type 19. Identifiers: MedGen C4748791, MONDO:0032624, OMIM 618241.
Inborn genetic diseases. Identifiers: MedGen C0950123, MeSH D030342.

Allele frequency attached by ClinVar (database versions not stated): gnomAD 0.00003; ExAC 0.00007.

Submissions (4):

OLLIN Analises Genomicas, OLLIN
Classification: Uncertain significance for Mitochondrial complex I deficiency, nuclear type 19. Last evaluated: 2026-08-06. Review status: criteria provided, single submitter. Criteria: ACMG Guidelines 2015 PMID 25741868. Collection method: clinical testing. Allele origin: germline. Inheritance: Autosomal recessive inheritance.
Comment: This missense variant, located in exon 9 (of 11), has been reported in ClinVar (accession VCV002407341.3) and in gnomAD with an allele frequency of 0.003%. However, to our knowledge, it has not been reported in the scientific literature. In silico analysis predicts that this variant has a deleterious effect. According to the currently available evidence, this variant has been classified as uncertain significance (PM2_P, PP3).

Laboratorio de Genetica e Diagnostico Molecular, Hospital Israelita Albert Einstein
Classification: Uncertain significance for Mitochondrial complex I deficiency, nuclear type 19. Last evaluated: 2024-09-06. Review status: criteria provided, single submitter. Criteria: ACMG Guidelines, 2015. Collection method: clinical testing. Allele origin: germline. Affected: yes.
Comment: ACMG classification criteria: PM2 supporting, PM3 supporting, PP3 supporting

Blueprint Genetics
Classification: Uncertain significance. Last evaluated: 2022-10-06. Review status: criteria provided, single submitter. Criteria: ACMG Guidelines, 2015. Collection method: clinical testing. Allele origin: germline.

Ambry Genetics
Classification: Uncertain significance for Inborn genetic diseases. Last evaluated: 2022-05-25. Review status: criteria provided, single submitter. Criteria: Ambry Variant Classification Scheme 2023. Collection method: clinical testing. Allele origin: germline.

NM_017547.4(FOXRED1):c.1019C>T (p.Pro340Leu)

Gene: FOXRED1 (FAD dependent oxidoreductase domain containing 1; plus strand). Cytogenetic location: 11q24.2.
Variant type: single nucleotide variant.
Coding change: c.1019C>T on transcript NM_017547.4 (MANE Select); coding-DNA position 1019, C replaced by T.
Protein change: p.Pro340Leu; replaces proline 340 with leucine.
Molecular consequence: missense variant. On other transcripts: non-coding transcript variant (2).
Genome position (GRCh38, 1-based): chr11:126,276,441, C>T. VCF-style: chr11-126276441-C-T. GRCh37 (hg19) VCF-style: chr11-126146336-C-T.
Other names: short protein forms P340L.
Identifiers: ClinVar variation 2407341 (VCV002407341.5), dbSNP rs772550290, ClinGen allele CA6354337.